The following is an entry in ClinVar:

NM_000548.5(TSC2):c.4850-3C>T

Gene: TSC2 (TSC complex subunit 2; plus strand). Cytogenetic location: 16p13.3.
Variant type: single nucleotide variant.
Coding change: c.4850-3C>T on transcript NM_000548.5 (MANE Select); 3 bases into the intron before coding-DNA position 4850, C replaced by T.
Molecular consequence: intron variant.
Genome position (GRCh38, 1-based): chr16:2,086,729, C>T. VCF-style: chr16-2086729-C-T. GRCh37 (hg19) VCF-style: chr16-2136730-C-T.
Other names: c.4781-3C>T (NM_001114382.3); c.4721-3C>T (NM_021055.3, NM_001370405.1); c.4652-3C>T (NM_001363528.2); c.4718-3C>T (NM_001370404.1); c.4649-3C>T (NM_001077183.3); c.4541-3C>T (NM_001318827.2); c.4118-3C>T (NM_001318831.2); c.4505-3C>T (NM_001318829.2); and 1 more.
Identifiers: ClinVar variation 1939029 (VCV001939029.6), dbSNP rs397514982, ClinGen allele CA319392.
Genomic context (GRCh38, chr16:2,086,729, plus strand): 5'-GTGCAAGGCACAGAGGGCCTCAGCACTGGCCCCACAAACCCATCCGGCCCTGCTCACCCT[C>T]AGCCGTCTTCCACATCGCCACCCTGATGCCCACCAAGGACGTGGACAAGCACCGCTGCGA-3'

ClinVar aggregate classification (germline): Conflicting classifications of pathogenicity. Review status: criteria provided, conflicting classifications (1 of 4 stars). 3 submissions from 3 submitters: Uncertain significance (1); Likely benign (2). Last evaluated 2025-10-05.

Conditions:
Tuberous sclerosis syndrome (TSC). Also called: Tuberous Sclerosis Complex; Tuberous sclerosis. Identifiers: Orphanet 805, MedGen C0041341, MONDO:0001734.
Tuberous sclerosis 2 (TSC2). Identifiers: Orphanet 805, MedGen C1860707, MONDO:0013199, OMIM 613254.
Hereditary cancer-predisposing syndrome. Also called: Neoplastic Syndromes, Hereditary; Hereditary neoplastic syndrome; Tumor predisposition; Hereditary Cancer Syndrome. Identifiers: Orphanet 140162, MedGen C0027672, MeSH D009386, MONDO:0015356.

Allele frequency attached by ClinVar (database versions not stated): gnomAD exomes below 0.00001.
gnomAD v4.1: 3 of 1,609,808 alleles (0.00019%); highest among the groups gnomAD compares: Middle Eastern, 0.022%; no homozygotes.

Submissions (3):

Color Diagnostics, LLC DBA Color Health
Classification: Likely benign for Tuberous sclerosis syndrome. Last evaluated: 2025-10-05. Review status: criteria provided, single submitter. Criteria: ACMG Guidelines, 2015. Collection method: clinical testing. Allele origin: germline.

Labcorp Genetics (formerly Invitae), Labcorp
Classification: Likely benign for Tuberous sclerosis 2. Last evaluated: 2025-02-11. Review status: criteria provided, single submitter. Criteria: Invitae Variant Classification Sherloc (09022015). Collection method: clinical testing. Allele origin: germline.

Ambry Genetics
Classification: Uncertain significance for Hereditary cancer-predisposing syndrome. Last evaluated: 2023-09-16. Review status: criteria provided, single submitter. Criteria: Ambry Variant Classification Scheme 2023. Collection method: clinical testing. Allele origin: germline.
Comment: The c.4850-3C>T intronic variant results from a C to T substitution 3 nucleotides upstream from coding exon 37 in the TSC2 gene. This nucleotide position is highly conserved in available vertebrate species. In silico splice site analysis predicts that this alteration will not have any significant effect on splicing. Since supporting evidence is limited at this time, the clinical significance of this alteration remains unclear.